The following is an entry in ClinVar:

ClinVar aggregate classification (germline): Pathogenic (1 of 4 stars; one submission).

Submission:

Labcorp Genetics (formerly Invitae), Labcorp
Classification: Pathogenic. Last evaluated: 2022-10-13. Review status: criteria provided, single submitter. Criteria: Invitae Variant Classification Sherloc (09022015). Collection method: clinical testing. Allele origin: germline.
Comment: This variant results in a copy number gain of the genomic region encompassing exon(s) 14 of the EYS gene. While the exact position of this variant cannot be determined from the data, sub-genic copy number gains are generally in tandem (PMID: 25640679). This variant is predicted to be out-of-frame, and may result in an absent or disrupted protein product. Loss-of-function variants in EYS are known to be pathogenic (PMID: 18836446, 20333770). A similar copy number variant has been observed in individuals with retinitis pigmentosa (PMID: 30718709, 31074760). This variant is also known as c.(2137+1_2137-1)_(2259+1_2260-1)dup. For these reasons, this variant has been classified as Pathogenic.

Literature cited by the submitters: PubMed 25640679; PubMed 18836446; PubMed 20333770; PubMed 30718709; PubMed 31074760.

NC_000006.11:g.(?_65707455)_(65707616_?)dup

Gene: EYS (eyes shut homolog; minus strand). Cytogenetic location: 6q12.
Variant type: Duplication.
Identifiers: ClinVar variation 2423873 (VCV002423873.3).